The following is an entry in ClinVar:

NM_004408.4(DNM1):c.2435C>A (p.Ala812Glu)

Genes: DNM1 (dynamin 1; plus strand), LOC130002699 (ATAC-STARR-seq lymphoblastoid silent region 20333; plus strand). Cytogenetic location: 9q34.11.
Variant type: single nucleotide variant.
Coding change: c.2435C>A on transcript NM_004408.4 (MANE Select); coding-DNA position 2435, C replaced by A.
Protein change: p.Ala812Glu; replaces alanine 812 with glutamic acid.
Molecular consequence: missense variant.
Genome position (GRCh38, 1-based): chr9:128,250,841, C>A. VCF-style: chr9-128250841-C-A. GRCh37 (hg19) VCF-style: chr9-131013120-C-A.
Other names: c.2435C>A, p.Ala812Glu (NM_001005336.3, NM_001288737.2, NM_001288738.2 and 2 more transcripts); short protein forms A812E.
Identifiers: ClinVar variation 1501896 (VCV001501896.8), dbSNP rs1353174747, ClinGen allele CA375001762.
Genomic context (GRCh38, chr9:128,250,841, plus strand): 5'-GGCCCGGGTCGCGGGGCCCTGCTCCTGGGCCTCCGCCTGCTGGGTCCGCCCTGGGGGGGG[C>A]GCCCCCCGTGCCCTCCAGGCCGGGGGCTTCCCCTGACCCTTTCGGCCCTCCCCCTCAGGT-3'
Protein context (NP_004399.2, residues 802-822): PPPAGSALGG[Ala812Glu]PPVPSRPGAS

ClinVar aggregate classification (germline): Uncertain significance (1 of 4 stars; one submission).

Conditions:
Developmental and epileptic encephalopathy, 31A. Also called: Developmental and epileptic encephalopathy, 31; Epileptic encephalopathy, early infantile, 31. Identifiers: Orphanet 2382, MedGen C4225357, MONDO:0014598, OMIM 616346.

Allele frequency attached by ClinVar (database versions not stated): gnomAD 0.00001; TOPMed 0.00001.
gnomAD v4.1: 2 of 1,301,236 alleles (0.00015%); highest among the groups gnomAD compares: Non-Finnish European, 0.00019%; no homozygotes.

Submission:

Labcorp Genetics (formerly Invitae), Labcorp
Classification: Uncertain significance for Developmental and epileptic encephalopathy, 31A. Last evaluated: 2022-08-23. Review status: criteria provided, single submitter. Criteria: Invitae Variant Classification Sherloc (09022015). Collection method: clinical testing. Allele origin: germline.
Comment: ClinVar contains an entry for this variant (Variation ID: 1501896). In summary, the available evidence is currently insufficient to determine the role of this variant in disease. Therefore, it has been classified as a Variant of Uncertain Significance. Advanced modeling of protein sequence and biophysical properties (such as structural, functional, and spatial information, amino acid conservation, physicochemical variation, residue mobility, and thermodynamic stability) performed at Invitae indicates that this missense variant is not expected to disrupt DNM1 protein function. This variant has not been reported in the literature in individuals affected with DNM1-related conditions. This variant is not present in population databases (gnomAD no frequency). This sequence change replaces alanine, which is neutral and non-polar, with glutamic acid, which is acidic and polar, at codon 812 of the DNM1 protein (p.Ala812Glu).